The following is an entry in ClinVar:

ClinVar aggregate classification (germline): Uncertain significance (1 of 4 stars; one submission).

Submission:

Labcorp Genetics (formerly Invitae), Labcorp
Classification: Uncertain significance. Last evaluated: 2023-04-06. Review status: criteria provided, single submitter. Criteria: Invitae Variant Classification Sherloc (09022015). Collection method: clinical testing. Allele origin: germline.
Comment: This sequence change replaces proline, which is neutral and non-polar, with serine, which is neutral and polar, at codon 2194 of the MYO18B protein (p.Pro2194Ser). In summary, the available evidence is currently insufficient to determine the role of this variant in disease. Therefore, it has been classified as a Variant of Uncertain Significance. An algorithm developed to predict the effect of missense changes on protein structure and function (PolyPhen-2) suggests that this variant¬† is likely to be tolerated. This variant has not been reported in the literature in individuals affected with MYO18B-related conditions. This variant is not present in population databases (gnomAD no frequency).

NM_032608.7(MYO18B):c.6580C>T (p.Pro2194Ser)

Gene: MYO18B (myosin XVIIIB; plus strand). Cytogenetic location: 22q12.1.
Variant type: single nucleotide variant.
Coding change: c.6580C>T on transcript NM_032608.7 (MANE Select); coding-DNA position 6580, C replaced by T.
Protein change: p.Pro2194Ser; replaces proline 2194 with serine.
Molecular consequence: missense variant.
Genome position (GRCh38, 1-based): chr22:26,026,554, C>T. VCF-style: chr22-26026554-C-T. GRCh37 (hg19) VCF-style: chr22-26422520-C-T.
Other names: c.6583C>T, p.Pro2195Ser (NM_001318245.2); short protein forms P2194S, P2195S.
Identifiers: ClinVar variation 2852931 (VCV002852931.1), dbSNP rs2518428622, ClinGen allele CA411010031.
Genomic context (GRCh38, chr22:26,026,554, plus strand): 5'-CTGAGCAGAGCCCGGTCCACCAATGTCCACAGCAAGACCTCAGGAGACAAGCCTGTTTCT[C>T]CCCACTTTGTCCGCCGGCAAAAGTACTGTCATTTTGGGGACGGCGAAGTGCTTGCCGTCC-3'
Protein context (NP_115997.5, residues 2184-2204): SKTSGDKPVS[Pro2194Ser]HFVRRQKYCH